The following is an entry in ClinVar:

NM_152564.5(VPS13B):c.11725A>G (p.Arg3909Gly)

Gene: VPS13B (vacuolar protein sorting 13 homolog B; plus strand). Cytogenetic location: 8q22.2.
Variant type: single nucleotide variant.
Coding change: c.11725A>G on transcript NM_152564.5 (MANE Select); coding-DNA position 11725, A replaced by G.
Protein change: p.Arg3909Gly; replaces arginine 3909 with glycine.
Molecular consequence: missense variant.
Genome position (GRCh38, 1-based): chr8:99,871,677, A>G. VCF-style: chr8-99871677-A-G. GRCh37 (hg19) VCF-style: chr8-100883905-A-G.
Other names: c.11800A>G, p.Arg3934Gly (NM_017890.5); short protein forms R3909G, R3934G.
Identifiers: ClinVar variation 3349261 (VCV003349261.1).

ClinVar aggregate classification (germline): Uncertain significance (0 of 4 stars; one submission).

Conditions:
VPS13B-related disorder. Also called: VPS13B-related condition.

gnomAD v4.1: 1 of 1,613,968 alleles (0.000062%); highest among the groups gnomAD compares: African/African-American, 0.0013%; no homozygotes.

Submission:

PreventionGenetics, part of Exact Sciences
Classification: Uncertain significance for VPS13B-related condition. Last evaluated: 2024-01-24. Review status: no assertion criteria provided. Collection method: clinical testing. Allele origin: germline.
Comment: The VPS13B c.11725A>G variant is predicted to result in the amino acid substitution p.Arg3909Gly. To our knowledge, this variant has not been reported in the literature or in a large population database, indicating this variant is rare. At this time, the clinical significance of this variant is uncertain due to the absence of conclusive functional and genetic evidence.